The following is an entry in ClinVar:

ClinVar aggregate classification (germline): Uncertain significance. Review status: criteria provided, multiple submitters, no conflicts (2 of 4 stars). 3 submissions from 3 submitters: Uncertain significance (3). Last evaluated 2024-01-02.

Conditions:
Kabuki syndrome. Also called: NIIKAWA-KUROKI SYNDROME; Kabuki make-up syndrome. Identifiers: Orphanet 2322, MedGen C0796004, MONDO:0016512.
Choanal atresia-athelia-hypothyroidism-delayed puberty-short stature syndrome (BCAHH). Also called: BRANCHIAL ARCH ABNORMALITIES, CHOANAL ATRESIA, ATHELIA, HEARING LOSS, AND HYPOTHYROIDISM SYNDROME. Identifiers: Orphanet 589856, MedGen C5680310, MONDO:0035651, OMIM 620186.
Kabuki syndrome 1 (KABUK1). Also called: KMT2D-Related Kabuki Syndrome. Identifiers: Orphanet 2322, MedGen CN030661, MONDO:0007843, OMIM 147920.

Allele frequency attached by ClinVar (database versions not stated): gnomAD exomes below 0.00001; TOPMed below 0.00001.
gnomAD v4.1: 2 of 1,609,422 alleles (0.00012%); highest among the groups gnomAD compares: Non-Finnish European, 0.000085%; no homozygotes.

Submissions (3):

Fulgent Genetics
Classification: Uncertain significance for Kabuki syndrome 1; Choanal atresia-athelia-hypothyroidism-delayed puberty-short stature syndrome. Last evaluated: 2024-01-02. Review status: criteria provided, single submitter. Criteria: ACMG Guidelines, 2015. Collection method: clinical testing. Allele origin: germline.

Labcorp Genetics (formerly Invitae), Labcorp
Classification: Uncertain significance for Kabuki syndrome. Last evaluated: 2023-05-11. Review status: criteria provided, single submitter. Criteria: Invitae Variant Classification Sherloc (09022015). Collection method: clinical testing. Allele origin: germline.
Comment: In summary, the available evidence is currently insufficient to determine the role of this variant in disease. Therefore, it has been classified as a Variant of Uncertain Significance. Advanced modeling of protein sequence and biophysical properties (such as structural, functional, and spatial information, amino acid conservation, physicochemical variation, residue mobility, and thermodynamic stability) performed at Invitae indicates that this missense variant is not expected to disrupt KMT2D protein function. ClinVar contains an entry for this variant (Variation ID: 1803340). This variant has not been reported in the literature in individuals affected with KMT2D-related conditions. This variant is not present in population databases (gnomAD no frequency). This sequence change replaces serine, which is neutral and polar, with leucine, which is neutral and non-polar, at codon 4958 of the KMT2D protein (p.Ser4958Leu).

GeneDx
Classification: Uncertain significance. Last evaluated: 2022-06-06. Review status: criteria provided, single submitter. Criteria: GeneDx Variant Classification Process June 2021. Collection method: clinical testing. Allele origin: germline. Affected: yes.
Comment: Not observed at significant frequency in large population cohorts (gnomAD); In silico analysis supports that this missense variant does not alter protein structure/function; Has not been previously published as pathogenic or benign to our knowledge

NM_003482.4(KMT2D):c.14873C>T (p.Ser4958Leu)

Gene: KMT2D (lysine methyltransferase 2D; minus strand). Cytogenetic location: 12q13.12.
Variant type: single nucleotide variant.
Coding change: c.14873C>T on transcript NM_003482.4 (MANE Select); coding-DNA position 14873, C replaced by T.
Protein change: p.Ser4958Leu; replaces serine 4958 with leucine.
Molecular consequence: missense variant.
Genome position (GRCh38, 1-based): chr12:49,027,093, G>A on the plus strand (C>T on the coding strand, the complement: KMT2D is on the minus strand). VCF-style: chr12-49027093-G-A. GRCh37 (hg19) VCF-style: chr12-49420876-G-A.
Other names: short protein forms S4958L.
Identifiers: ClinVar variation 1803340 (VCV001803340.5), dbSNP rs1942637043, ClinGen allele CA384691461.